The following is an entry in ClinVar:

ClinVar aggregate classification (germline): Uncertain significance (0 of 4 stars; one submission).

Conditions:
EYS-related disorder. Also called: EYS-related condition.

gnomAD v4.1: 1 of 1,551,012 alleles (0.000064%); no homozygotes.

Submission:

PreventionGenetics, part of Exact Sciences
Classification: Uncertain significance for EYS-related condition. Last evaluated: 2024-09-20. Review status: no assertion criteria provided. Collection method: clinical testing. Allele origin: germline.
Comment: The EYS c.4913G>C variant is predicted to result in the amino acid substitution p.Arg1638Thr. To our knowledge, this variant has not been reported in the literature or in the large population database gnomAD, indicating this variant is rare. At this time, the clinical significance of this variant is uncertain due to the absence of conclusive functional and genetic evidence.

NM_001142800.2(EYS):c.4913G>C (p.Arg1638Thr)

Gene: EYS (eyes shut homolog; minus strand). Cytogenetic location: 6q12.
Variant type: single nucleotide variant.
Coding change: c.4913G>C on transcript NM_001142800.2 (MANE Select); coding-DNA position 4913, G replaced by C.
Protein change: p.Arg1638Thr; replaces arginine 1638 with threonine.
Molecular consequence: missense variant.
Genome position (GRCh38, 1-based): chr6:64,590,954, C>G on the plus strand (G>C on the coding strand, the complement: EYS is on the minus strand). VCF-style: chr6-64590954-C-G. GRCh37 (hg19) VCF-style: chr6-65300847-C-G.
Other names: c.4913G>C, p.Arg1638Thr (NM_001292009.2); short protein forms R1638T.
Identifiers: ClinVar variation 3347056 (VCV003347056.1).